The following is an entry in ClinVar:

NM_025074.7(FRAS1):c.2878T>C (p.Trp960Arg)

Gene: FRAS1 (Fraser extracellular matrix complex subunit 1; plus strand). Cytogenetic location: 4q21.21.
Variant type: single nucleotide variant.
Coding change: c.2878T>C on transcript NM_025074.7 (MANE Select); coding-DNA position 2878, T replaced by C.
Protein change: p.Trp960Arg; replaces tryptophan 960 with arginine.
Molecular consequence: missense variant.
Genome position (GRCh38, 1-based): chr4:78,372,726, T>C. VCF-style: chr4-78372726-T-C. GRCh37 (hg19) VCF-style: chr4-79293880-T-C.
Other names: c.2878T>C, p.Trp960Arg (NM_001166133.2); short protein forms W960R.
Identifiers: ClinVar variation 4700921 (VCV004700921.2).

ClinVar aggregate classification (germline): Uncertain significance. Review status: criteria provided, multiple submitters, no conflicts (2 of 4 stars). 2 submissions from 2 submitters: Uncertain significance (2). Last evaluated 2025-12-11.

gnomAD v4.1: 14 of 1,612,606 alleles (0.00087%); highest among the groups gnomAD compares: Non-Finnish European, 0.0012%; no homozygotes.

Submissions (2):

Labcorp Genetics (formerly Invitae), Labcorp
Classification: Uncertain significance. Last evaluated: 2025-12-11. Review status: criteria provided, single submitter. Criteria: Invitae Variant Classification Sherloc (09022015). Collection method: clinical testing. Allele origin: germline.
Comment: This sequence change replaces tryptophan, which is neutral and slightly polar, with arginine, which is basic and polar, at codon 960 of the FRAS1 protein (p.Trp960Arg). This variant is present in population databases (no rsID available, gnomAD 0.004%). This variant has not been reported in the literature in individuals affected with FRAS1-related conditions. An algorithm developed to predict the effect of missense changes on protein structure and function (PolyPhen-2) suggests that this variant is likely to be disruptive. In summary, the available evidence is currently insufficient to determine the role of this variant in disease. Therefore, it has been classified as a Variant of Uncertain Significance.

Blueprint Genetics
Classification: Uncertain significance. Last evaluated: 2022-04-12. Review status: criteria provided, single submitter. Criteria: ACMG Guidelines, 2015. Collection method: clinical testing. Allele origin: germline.